The following is an entry in ClinVar:

NM_024642.5(GALNT12):c.945T>G (p.Phe315Leu)

Gene: GALNT12 (polypeptide N-acetylgalactosaminyltransferase 12; plus strand). Cytogenetic location: 9q22.33.
Variant type: single nucleotide variant.
Coding change: c.945T>G on transcript NM_024642.5 (MANE Select); coding-DNA position 945, T replaced by G.
Protein change: p.Phe315Leu; replaces phenylalanine 315 with leucine.
Molecular consequence: missense variant.
Genome position (GRCh38, 1-based): chr9:98,835,276, T>G. VCF-style: chr9-98835276-T-G. GRCh37 (hg19) VCF-style: chr9-101597558-T-G.
Other names: short protein forms F315L.
Identifiers: ClinVar variation 3227974 (VCV003227974.1), dbSNP rs2490527296, ClinGen allele CA374219372.
Genomic context (GRCh38, chr9:98,835,276, plus strand): 5'-CTACAGTGAAATAAGGATATCATACTTTTTTAGGTCTCCAACAATGGCTGGTGGGCTGTT[T>G]GCTGTGAGTAAGAAATATTTTGAATATCTGGGGTCTTATGATACAGGAATGGAAGTTTGG-3'
Protein context (NP_078918.3, residues 305-325): IRSPTMAGGL[Phe315Leu]AVSKKYFEYL

ClinVar aggregate classification (germline): Uncertain significance (1 of 4 stars; one submission).

Submission:

Ambry Genetics
Classification: Uncertain significance. Last evaluated: 2023-12-31. Review status: criteria provided, single submitter. Criteria: Ambry Variant Classification Scheme 2023. Collection method: clinical testing. Allele origin: germline.
Comment: The p.F315L variant (also known as c.945T>G), located in coding exon 5 of the GALNT12 gene, results from a T to G substitution at nucleotide position 945. The phenylalanine at codon 315 is replaced by leucine, an amino acid with highly similar properties. This amino acid position is conserved. In addition, this alteration is predicted to be deleterious by in silico analysis. Since supporting evidence is limited at this time, the clinical significance of this alteration remains unclear.